The following is an entry in ClinVar:

ClinVar aggregate classification (germline): Likely benign. Review status: criteria provided, multiple submitters, no conflicts (2 of 4 stars). 2 submissions from 2 submitters: Likely benign (2). Last evaluated 2019-09-29.

Conditions:
Amish lethal microcephaly (MCPHA). Also called: THIAMINE METABOLISM DYSFUNCTION SYNDROME 3 (MICROCEPHALY TYPE); MICROCEPHALY, AMISH TYPE. Identifiers: Orphanet 99742, MedGen C1846648, MONDO:0011790, OMIM 607196.

Allele frequency attached by ClinVar (database versions not stated): gnomAD exomes 0.00025; 1000 Genomes Project 30x 0.00187; 1000 Genomes Project 0.00200; gnomAD 0.00303 and 0.00335; TOPMed 0.00350.
gnomAD v4.1: 797 of 1,416,870 alleles (0.056%); highest among the groups gnomAD compares: African/African-American, 1%; 6 homozygotes.

Submissions (2):

GeneDx
Classification: Likely benign. Last evaluated: 2019-09-29. Review status: criteria provided, single submitter. Criteria: GeneDx Variant Classification Process June 2021. Collection method: clinical testing. Allele origin: germline. Affected: yes.

Illumina Laboratory Services, Illumina
Classification: Likely benign for Amish lethal microcephaly. Last evaluated: 2018-01-12. Review status: criteria provided, single submitter. Criteria: ICSL Variant Classification Criteria 13 December 2019. Collection method: clinical testing. Allele origin: germline.
Comment: This variant was observed in the ICSL laboratory as part of a predisposition screen in an ostensibly healthy population. It had not been previously curated by ICSL or reported in the Human Gene Mutation Database (HGMD: prior to June 1st, 2018), and was therefore a candidate for classification through an automated scoring system. Utilizing variant allele frequency, disease prevalence and penetrance estimates, and inheritance mode, an automated score was calculated to assess if this variant is too frequent to cause the disease. Based on the score and internal cut-off values, a variant classified as likely benign is not then subjected to further curation. The score for this variant resulted in a classification of likely benign for this disease.

NM_001126121.2(SLC25A19):c.*96G>C

Genes: MIF4GD-DT (MIF4GD divergent transcript; plus strand), SLC25A19 (solute carrier family 25 member 19; minus strand). Cytogenetic location: 17q25.1.
Variant type: single nucleotide variant.
Coding change: c.*96G>C on transcript NM_001126121.2 (MANE Select); 96 bases downstream of the stop codon, G replaced by C.
Molecular consequence: 3 prime UTR variant. On other transcripts: non-coding transcript variant (1).
Genome position (GRCh38, 1-based): chr17:75,273,355, C>G on the plus strand (G>C on the coding strand, the complement: SLC25A19 is on the minus strand). VCF-style: chr17-75273355-C-G. GRCh37 (hg19) VCF-style: chr17-73269436-C-G.
Other names: c.*96G>C (NM_001126122.2, NM_021734.5).
Identifiers: ClinVar variation 890140 (VCV000890140.7), dbSNP rs143419896, ClinGen allele CA293996510.